The following is an entry in ClinVar:

NM_005502.4(ABCA1):c.4961A>C (p.Asp1654Ala)

Gene: ABCA1 (ATP binding cassette subfamily A member 1; minus strand). Cytogenetic location: 9q31.1.
Variant type: single nucleotide variant.
Coding change: c.4961A>C on transcript NM_005502.4 (MANE Select); coding-DNA position 4961, A replaced by C.
Protein change: p.Asp1654Ala; replaces aspartic acid 1654 with alanine.
Molecular consequence: missense variant.
Genome position (GRCh38, 1-based): chr9:104,798,581, T>G on the plus strand (A>C on the coding strand, the complement: ABCA1 is on the minus strand). VCF-style: chr9-104798581-T-G. GRCh37 (hg19) VCF-style: chr9-107560862-T-G.
Other names: short protein forms D1654A.
Identifiers: ClinVar variation 4613281 (VCV004613281.1).

ClinVar aggregate classification (germline): Uncertain significance (1 of 4 stars; one submission).

Conditions:
Cardiovascular phenotype. Identifiers: MedGen CN230736.

gnomAD v4.1: 1 of 1,614,100 alleles (0.000062%); highest among the groups gnomAD compares: Non-Finnish European, 0.000085%; no homozygotes.

Submission:

Ambry Genetics
Classification: Uncertain significance for Cardiovascular phenotype. Last evaluated: 2025-11-02. Review status: criteria provided, single submitter. Criteria: Ambry Variant Classification Scheme 2023. Collection method: clinical testing. Allele origin: germline.
Comment: The p.D1654A variant (also known as c.4961A>C), located in coding exon 36 of the ABCA1 gene, results from an A to C substitution at nucleotide position 4961. The aspartic acid at codon 1654 is replaced by alanine, an amino acid with dissimilar properties. This amino acid position is conserved. In addition, this alteration is predicted to be deleterious by in silico analysis. Based on the available evidence, the clinical significance of this variant remains unclear.